The following is an entry in ClinVar:

NM_004725.4(BUB3):c.905A>G (p.Asp302Gly)

Gene: BUB3 (BUB3 mitotic checkpoint protein; plus strand). Cytogenetic location: 10q26.13.
Variant type: single nucleotide variant.
Coding change: c.905A>G on transcript NM_004725.4 (MANE Select); coding-DNA position 905, A replaced by G.
Protein change: p.Asp302Gly; replaces aspartic acid 302 with glycine.
Molecular consequence: missense variant.
Genome position (GRCh38, 1-based): chr10:123,162,762, A>G. VCF-style: chr10-123162762-A-G. GRCh37 (hg19) VCF-style: chr10-124922278-A-G.
Other names: c.905A>G, p.Asp302Gly (NM_001007793.3); short protein forms D302G.
Identifiers: ClinVar variation 3262314 (VCV003262314.1).

ClinVar aggregate classification (germline): Uncertain significance (1 of 4 stars; one submission).

Submission:

Ambry Genetics
Classification: Uncertain significance. Last evaluated: 2024-06-06. Review status: criteria provided, single submitter. Criteria: Ambry Variant Classification Scheme 2023. Collection method: clinical testing. Allele origin: germline.
Comment: The p.D302G variant (also known as c.905A>G), located in coding exon 6 of the BUB3 gene, results from an A to G substitution at nucleotide position 905. The aspartic acid at codon 302 is replaced by glycine, an amino acid with similar properties. This amino acid position is conserved. In addition, this alteration is predicted to be tolerated by in silico analysis. Based on the available evidence, the clinical significance of this variant remains unclear.